The following is an entry in ClinVar:

ClinVar aggregate classification (germline): Uncertain significance (1 of 4 stars; one submission).

Allele frequency attached by ClinVar (database versions not stated): TOPMed below 0.00001; gnomAD exomes 0.00001.
gnomAD v4.1: 7 of 1,211,661 alleles (0.00058%); highest among the groups gnomAD compares: East Asian, 0.003%; no homozygotes.

Submission:

GeneDx
Classification: Uncertain significance. Last evaluated: 2019-05-30. Review status: criteria provided, single submitter. Criteria: GeneDx Variant Classification Process June 2021. Collection method: clinical testing. Allele origin: germline. Affected: yes.
Comment: Not observed in large population cohorts (Lek et al., 2016); In silico analysis, which includes protein predictors and evolutionary conservation, supports that this variant does not alter protein structure/function; Has not been previously published as pathogenic or benign to our knowledge

NM_001123385.2(BCOR):c.3626G>A (p.Arg1209His)

Gene: BCOR (BCL6 corepressor; minus strand). Cytogenetic location: Xp11.4.
Variant type: single nucleotide variant.
Coding change: c.3626G>A on transcript NM_001123385.2 (MANE Select); coding-DNA position 3626, G replaced by A.
Protein change: p.Arg1209His; replaces arginine 1209 with histidine.
Molecular consequence: missense variant.
Genome position (GRCh38, 1-based): chrX:40,063,829, C>T on the plus strand (G>A on the coding strand, the complement: BCOR is on the minus strand). VCF-style: chrX-40063829-C-T. GRCh37 (hg19) VCF-style: chrX-39923082-C-T.
Other names: c.3524G>A, p.Arg1175His (NM_001123383.2, NM_017745.6); c.3470G>A, p.Arg1157His (NM_001123384.2); short protein forms R1157H, R1175H, R1209H.
Identifiers: ClinVar variation 1305987 (VCV001305987.2), dbSNP rs1422527923, ClinGen allele CA412738442.